The following is an entry in ClinVar:

NM_014423.4(AFF4):c.1520G>A (p.Arg507Gln)

Gene: AFF4 (ALF transcription elongation factor 4; minus strand). Cytogenetic location: 5q31.1.
Variant type: single nucleotide variant.
Coding change: c.1520G>A on transcript NM_014423.4 (MANE Select); coding-DNA position 1520, G replaced by A.
Protein change: p.Arg507Gln; replaces arginine 507 with glutamine.
Molecular consequence: missense variant.
Genome position (GRCh38, 1-based): chr5:132,897,110, C>T on the plus strand (G>A on the coding strand, the complement: AFF4 is on the minus strand). VCF-style: chr5-132897110-C-T. GRCh37 (hg19) VCF-style: chr5-132232802-C-T.
Other names: short protein forms R507Q.
Identifiers: ClinVar variation 3352904 (VCV003352904.1).

ClinVar aggregate classification (germline): Uncertain significance (0 of 4 stars; one submission).

Conditions:
AFF4-related disorder. Also called: AFF4-related condition.

gnomAD v4.1: 7 of 1,614,180 alleles (0.00043%); highest among the groups gnomAD compares: Admixed American, 0.0033%; no homozygotes.

Submission:

PreventionGenetics, part of Exact Sciences
Classification: Uncertain significance for AFF4-related condition. Last evaluated: 2024-07-15. Review status: no assertion criteria provided. Collection method: clinical testing. Allele origin: germline.
Comment: The AFF4 c.1520G>A variant is predicted to result in the amino acid substitution p.Arg507Gln. To our knowledge, this variant has not been reported in the literature. This variant is reported in 0.0058% of alleles in individuals of Latino descent in gnomAD. At this time, the clinical significance of this variant is uncertain due to the absence of conclusive functional and genetic evidence.